The following is an entry in ClinVar:

ClinVar aggregate classification (germline): Likely benign. Review status: criteria provided, multiple submitters, no conflicts (2 of 4 stars). 2 submissions from 2 submitters: Likely benign (2). Last evaluated 2026-04-13.

Conditions:
DICER1-related tumor predisposition. Also called: DICER1-related pleuropulmonary blastoma cancer predisposition syndrome; DICER1 syndrome. Identifiers: Orphanet 284343, MedGen C3839822, MONDO:0100216.

Allele frequency attached by ClinVar (database versions not stated): ESP Exome Variant Server 0.00008; gnomAD 0.00002; TOPMed 0.00002.
gnomAD v4.1: 3 of 1,608,074 alleles (0.00019%); highest among the groups gnomAD compares: African/African-American, 0.0027%; no homozygotes.

Submissions (2):

Myriad Genetics, Inc.
Classification: Likely benign for DICER1-related tumor predisposition. Last evaluated: 2026-04-13. Review status: criteria provided, single submitter. Criteria: Myriad Autosomal Dominant, Autosomal Recessive and X-Linked Classification Criteria (2023). Collection method: clinical testing. Allele origin: unknown.
Comment: This variant is considered likely benign. This variant is intronic and is not expected to impact mRNA splicing.

Labcorp Genetics (formerly Invitae), Labcorp
Classification: Likely benign for DICER1-related tumor predisposition. Last evaluated: 2026-01-20. Review status: criteria provided, single submitter. Criteria: Invitae Variant Classification Sherloc (09022015). Collection method: clinical testing. Allele origin: germline.

NM_177438.3(DICER1):c.2041-19A>C

Gene: DICER1 (dicer 1, ribonuclease III; minus strand). Cytogenetic location: 14q32.13.
Variant type: single nucleotide variant.
Coding change: c.2041-19A>C on transcript NM_177438.3 (MANE Select); 19 bases into the intron before coding-DNA position 2041, A replaced by C.
Molecular consequence: intron variant.
Genome position (GRCh38, 1-based): chr14:95,112,266, T>G on the plus strand (A>C on the coding strand, the complement: DICER1 is on the minus strand). VCF-style: chr14-95112266-T-G. GRCh37 (hg19) VCF-style: chr14-95578603-T-G.
Other names: c.2041-19A>C (NM_001291628.2, NM_030621.4, NM_001271282.3 and 1 more transcripts).
Identifiers: ClinVar variation 1670825 (VCV001670825.10), dbSNP rs377578297, ClinGen allele CA7331331.